The following is an entry in ClinVar:

ClinVar aggregate classification (germline): Uncertain significance (1 of 4 stars; one submission).

Conditions:
Familial melanoma. Also called: Hereditary melanoma; Hereditary cutaneous melanoma. Identifiers: Orphanet 618, MedGen C1512419, MONDO:0018961.

Submission:

Labcorp Genetics (formerly Invitae), Labcorp
Classification: Uncertain significance for Familial melanoma. Last evaluated: 2025-10-16. Review status: criteria provided, single submitter. Criteria: Invitae Variant Classification Sherloc (09022015). Collection method: clinical testing. Allele origin: germline.
Comment: This sequence change creates a premature translational stop signal (p.Ser152*) in the CDKN2A (p16INK4a) gene. While this is not anticipated to result in nonsense mediated decay, it is expected to disrupt the last 5 amino acid(s) of the CDKN2A (p16INK4a) protein. This variant is not present in population databases (gnomAD no frequency). This variant has not been reported in the literature in individuals affected with CDKN2A (p16INK4a)-related conditions. ClinVar contains an entry for this variant (Variation ID: 2763323). In summary, the available evidence is currently insufficient to determine the role of this variant in disease. Therefore, it has been classified as a Variant of Uncertain Significance.

NM_000077.5(CDKN2A):c.455del (p.Pro151_Ser152insTer)

Gene: CDKN2A (cyclin dependent kinase inhibitor 2A; minus strand). Cytogenetic location: 9p21.3.
Variant type: Deletion.
Coding change: c.455del on transcript NM_000077.5; coding-DNA position 455, one base deleted (C; older notation c.455delC).
Protein change: p.Pro151_Ser152insTer.
Molecular consequence: frameshift variant, nonsense (on NM_000077.6). On other transcripts: 3 prime UTR variant (2).
Genome position (GRCh38, 1-based): chr9:21,970,904, G deleted on the plus strand (C on the coding strand, the reverse complement: CDKN2A is on the minus strand). VCF-style (leftmost placement, unchanged base first): chr9-21970903-TG-T. GRCh37 (hg19) VCF-style: chr9-21970902-TG-T.
Other names: c.455delC, p.Ser152Terfs (NM_000077.6); c.455del, p.Pro151_Ser152insTer (NM_001195132.2); c.302del, p.Pro100_Ser101insTer (NM_001363763.2); c.*99del (NM_058195.4); c.*378del (NM_058197.5).
Identifiers: ClinVar variation 2763323 (VCV002763323.3), dbSNP rs2489272794, ClinGen allele CA2697557690.
Genomic context (GRCh38, chr9:21,970,903, plus strand): 5'-TGAATGCTCTGAGCTTTGGAAGCTCTCAGGGTACAAATTCTCAGATCATCAGTCCTCACC[TG>T]AGGGACCTTCCGCGGCATCTATGCGGGCATGGTTACTGCCTCTGGTGCCCCCCGCAGCCG-3'